The following is an entry in ClinVar:

ClinVar aggregate classification (germline): Uncertain significance. Review status: criteria provided, multiple submitters, no conflicts (2 of 4 stars). 2 submissions from 2 submitters: Uncertain significance (2). Last evaluated 2025-04-28.

Conditions:
Inborn genetic diseases. Identifiers: MedGen C0950123, MeSH D030342.
Fanconi anemia (FA). Also called: Fanconi's anemia. Identifiers: Orphanet 84, MedGen C0015625, MeSH D005199, MONDO:0019391.

gnomAD v4.1: 3 of 1,613,438 alleles (0.00019%); highest among the groups gnomAD compares: Non-Finnish European, 0.00025%; no homozygotes.

Submissions (2):

Ambry Genetics
Classification: Uncertain significance for Inborn genetic diseases. Last evaluated: 2025-04-28. Review status: criteria provided, single submitter. Criteria: Ambry Variant Classification Scheme 2023. Collection method: clinical testing. Allele origin: germline.
Comment: The p.Q930E variant (also known as c.2788C>G), located in coding exon 29 of the FANCA gene, results from a C to G substitution at nucleotide position 2788. The glutamine at codon 930 is replaced by glutamic acid, an amino acid with highly similar properties. This amino acid position is conserved. In addition, this alteration is predicted to be tolerated by in silico analysis. Based on the available evidence, the clinical significance of this variant remains unclear.

Labcorp Genetics (formerly Invitae), Labcorp
Classification: Uncertain significance for Fanconi anemia. Last evaluated: 2024-11-19. Review status: criteria provided, single submitter. Criteria: Invitae Variant Classification Sherloc (09022015). Collection method: clinical testing. Allele origin: germline.
Comment: This sequence change replaces glutamine, which is neutral and polar, with glutamic acid, which is acidic and polar, at codon 930 of the FANCA protein (p.Gln930Glu). This variant is not present in population databases (gnomAD no frequency). This variant has not been reported in the literature in individuals affected with FANCA-related conditions. Invitae Evidence Modeling of protein sequence and biophysical properties (such as structural, functional, and spatial information, amino acid conservation, physicochemical variation, residue mobility, and thermodynamic stability) indicates that this missense variant is not expected to disrupt FANCA protein function with a negative predictive value of 95%. In summary, the available evidence is currently insufficient to determine the role of this variant in disease. Therefore, it has been classified as a Variant of Uncertain Significance.

NM_000135.4(FANCA):c.2788C>G (p.Gln930Glu)

Gene: FANCA (FA complementation group A; minus strand). Cytogenetic location: 16q24.3.
Variant type: single nucleotide variant.
Coding change: c.2788C>G on transcript NM_000135.4 (MANE Select); coding-DNA position 2788, C replaced by G.
Protein change: p.Gln930Glu; replaces glutamine 930 with glutamic acid.
Molecular consequence: missense variant.
Genome position (GRCh38, 1-based): chr16:89,762,013, G>C on the plus strand (C>G on the coding strand, the complement: FANCA is on the minus strand). VCF-style: chr16-89762013-G-C. GRCh37 (hg19) VCF-style: chr16-89828421-G-C.
Other names: c.2788C>G, p.Gln930Glu (NM_001286167.3); short protein forms Q930E.
Identifiers: ClinVar variation 3666709 (VCV003666709.3).
Genomic context (GRCh38, chr16:89,762,013, plus strand): 5'-CAGTATCTGAAAGAGCATCAGCTTCAGGTTGAATTTCCAGCTCCAGGTGTAACCAGTCTT[G>C]GTAAGTTAACTGAGAAAGAGAGCAAGCAATTCAATACAATGAGGACAGAACACACAATCC-3'
Protein context (NP_000126.2, residues 920-940): LKEEDVHLTY[Gln930Glu]DWLHLELEIQ